The following is an entry in ClinVar:

NM_020461.4(TUBGCP6):c.1438G>C (p.Gly480Arg)

Gene: TUBGCP6 (tubulin gamma complex component 6; minus strand). Cytogenetic location: 22q13.33.
Variant type: single nucleotide variant.
Coding change: c.1438G>C on transcript NM_020461.4 (MANE Select); coding-DNA position 1438, G replaced by C.
Protein change: p.Gly480Arg; replaces glycine 480 with arginine.
Molecular consequence: missense variant.
Genome position (GRCh38, 1-based): chr22:50,227,052, C>G on the plus strand (G>C on the coding strand, the complement: TUBGCP6 is on the minus strand). VCF-style: chr22-50227052-C-G. GRCh37 (hg19) VCF-style: chr22-50665481-C-G.
Other names: short protein forms G480R.
Identifiers: ClinVar variation 1411306 (VCV001411306.6), dbSNP rs2147190029, ClinGen allele CA412107284.
Genomic context (GRCh38, chr22:50,227,052, plus strand): 5'-AACTCACGGTGGGAAACGCGGCCCTGGGGCCTCCTCCACAGGTGCCCGGGAGCACAGCGC[C>G]AACGCCACAGAGCTCGGCCAGGTACCTAGACCCAGAGGCAGGATGAGACCAGGTGACCGG-3'
Protein context (NP_065194.3, residues 470-490): LRYLAELCGV[Gly480Arg]AVLPGTCGGG

ClinVar aggregate classification (germline): Uncertain significance (1 of 4 stars; one submission).

Submission:

Labcorp Genetics (formerly Invitae), Labcorp
Classification: Uncertain significance. Last evaluated: 2021-10-25. Review status: criteria provided, single submitter. Criteria: Invitae Variant Classification Sherloc (09022015). Collection method: clinical testing. Allele origin: germline.
Comment: This sequence change replaces glycine, which is neutral and non-polar, with arginine, which is basic and polar, at codon 480 of the TUBGCP6 protein (p.Gly480Arg). This variant is not present in population databases (gnomAD no frequency). This variant has not been reported in the literature in individuals affected with TUBGCP6-related conditions. Algorithms developed to predict the effect of missense changes on protein structure and function are either unavailable or do not agree on the potential impact of this missense change (SIFT: "Deleterious"; PolyPhen-2: "Probably Damaging"; Align-GVGD: "Class C0"). In summary, the available evidence is currently insufficient to determine the role of this variant in disease. Therefore, it has been classified as a Variant of Uncertain Significance.